The following is an entry in ClinVar:

NM_001330078.2(NRXN1):c.2497+88C>A

Gene: NRXN1 (neurexin 1; minus strand). Cytogenetic location: 2p16.3.
Variant type: single nucleotide variant.
Coding change: c.2497+88C>A on transcript NM_001330078.2 (MANE Select); 88 bases into the intron after coding-DNA position 2497, C replaced by A.
Molecular consequence: intron variant.
Genome position (GRCh38, 1-based): chr2:50,506,407, G>T on the plus strand (C>A on the coding strand, the complement: NRXN1 is on the minus strand). VCF-style: chr2-50506407-G-T. GRCh37 (hg19) VCF-style: chr2-50733545-G-T.
Other names: c.2386+88C>A (NM_001330096.2, NM_001330087.2); c.2431+88C>A (NM_001330083.2, NM_001330084.2); c.2416+88C>A (NM_001330088.2); c.2494+88C>A (NM_001330093.2); c.2485+88C>A (NM_001330094.2); c.2446+88C>A (NM_001330095.2); c.2473+88C>A (NM_001330082.2, NM_001330077.2); c.2470+88C>A (NM_001330085.2); and 2 more.
Identifiers: ClinVar variation 670767 (VCV000670767.2), dbSNP rs13008919, ClinGen allele CA11226596.

ClinVar aggregate classification (germline): Benign. Review status: criteria provided, multiple submitters, no conflicts (2 of 4 stars). 2 submissions from 2 submitters: Benign (2). Last evaluated 2018-06-14.

Allele frequency attached by ClinVar (database versions not stated): gnomAD 0.16328 and 0.16480; TOPMed 0.17405; 1000 Genomes Project 0.21346; 1000 Genomes Project 30x 0.21814.
gnomAD v4.1: 137,648 of 1,218,988 alleles (11%); highest among the groups gnomAD compares: East Asian, 36%; 11,123 homozygotes.

Submissions (2):

GeneDx
Classification: Benign. Last evaluated: 2018-06-14. Review status: criteria provided, single submitter. Criteria: GeneDx Variant Classification (06012015). Collection method: clinical testing. Allele origin: germline. Affected: yes.
Comment: This variant is considered likely benign or benign based on one or more of the following criteria: it is a conservative change, it occurs at a poorly conserved position in the protein, it is predicted to be benign by multiple in silico algorithms, and/or has population frequency not consistent with disease.

Breakthrough Genomics
Classification: Benign. Review status: criteria provided, single submitter. Criteria: ACMG Guidelines, 2015. Collection method: not provided. Allele origin: germline. Inheritance: Autosomal recessive inheritance. Affected: yes.